The following is an entry in ClinVar:

ClinVar aggregate classification (germline): Likely benign. Review status: criteria provided, multiple submitters, no conflicts (2 of 4 stars). 3 submissions from 3 submitters: Likely benign (3). Last evaluated 2025-05-27.

Conditions:
Glanzmann thrombasthenia. Also called: THROMBASTHENIA OF GLANZMANN AND NAEGELI; PLATELET GLYCOPROTEIN IIb-IIIa DEFICIENCY; Thrombasthenia; Glanzmann's thrombasthenia. Identifiers: Orphanet 849, MedGen C0040015, MONDO:0100326.
ITGA2B-related disorder. Also called: ITGA2B-related condition; ITGA2B-related disorders.

gnomAD v4.1: 55 of 1,614,042 alleles (0.0034%); highest among the groups gnomAD compares: African/African-American, 0.055%; no homozygotes.

Submissions (3):

PreventionGenetics, part of Exact Sciences
Classification: Likely benign for ITGA2B-related condition. Last evaluated: 2025-05-27. Review status: criteria provided, single submitter. Criteria: ACMG Guidelines, 2015. Collection method: clinical testing. Allele origin: germline.
Comment: This variant is classified as likely benign based on ACMG/AMP sequence variant interpretation guidelines (Richards et al. 2015 PMID: 25741868, with internal and published modifications).

Labcorp Genetics (formerly Invitae), Labcorp
Classification: Likely benign for Glanzmann thrombasthenia. Last evaluated: 2025-04-09. Review status: criteria provided, single submitter. Criteria: Invitae Variant Classification Sherloc (09022015). Collection method: clinical testing. Allele origin: germline.

Women's Health and Genetics/Laboratory Corporation of America, LabCorp
Classification: Likely benign. Last evaluated: 2025-04-08. Review status: criteria provided, single submitter. Criteria: LabCorp Variant Classification Summary - May 2015. Collection method: clinical testing. Allele origin: germline.

NM_000419.5(ITGA2B):c.2907G>C (p.Ala969=)

Gene: ITGA2B (integrin subunit alpha 2b; minus strand). Cytogenetic location: 17q21.31.
Variant type: single nucleotide variant.
Coding change: c.2907G>C on transcript NM_000419.5 (MANE Select); coding-DNA position 2907, G replaced by C.
Protein change: p.Ala969=; no amino-acid change (alanine 969 retained).
Molecular consequence: synonymous variant.
Genome position (GRCh38, 1-based): chr17:44,374,695, C>G on the plus strand (G>C on the coding strand, the complement: ITGA2B is on the minus strand). VCF-style: chr17-44374695-C-G. GRCh37 (hg19) VCF-style: chr17-42452063-C-G.
Other names: c.2907G>C (NM_000419.4).
Identifiers: ClinVar variation 3896403 (VCV003896403.4).